The following is an entry in ClinVar:

NM_006231.4(POLE):c.507_508dup (p.Ile170fs)

Gene: POLE (DNA polymerase epsilon, catalytic subunit; minus strand). Cytogenetic location: 12q24.33.
Variant type: Microsatellite.
Coding change: c.507_508dup on transcript NM_006231.4 (MANE Select); coding-DNA positions 507 to 508, 2 bases duplicated (GA; older notation c.507_508dupGA).
Protein change: p.Ile170fs; shifts the reading frame from isoleucine 170.
Molecular consequence: frameshift variant.
Genome position (GRCh38, 1-based): chr12:132,679,567-132,679,568, TC duplicated on the plus strand (GA on the coding strand, the reverse complement: POLE is on the minus strand); duplicating any 2 consecutive bases within chr12:132,679,567-132,679,570 gives the same sequence; the c. name uses the placement nearest the transcript's 3' end. VCF-style (leftmost placement, unchanged base first): chr12-132679566-A-ATC. GRCh37 (hg19) VCF-style: chr12-133256152-A-ATC.
Other names: short protein forms I170fs.
Identifiers: ClinVar variation 4772281 (VCV004772281.3).
Genomic context (GRCh38, chr12:132,679,566, plus strand): 5'-AGAGCTGTGTACGCGTCGCTGGCGTGATCCTGCTCCCTGTTCTTCTTCACGGCAGGGGAG[A>ATC]TCTCCTTCCTCACTTTGACAAGATCCTCCACAGTGTGGAAGGACAGCCTGATGTAATTTC-3'

ClinVar aggregate classification (germline): Pathogenic. Review status: criteria provided, multiple submitters, no conflicts (2 of 4 stars). 2 submissions from 2 submitters: Pathogenic (2). Last evaluated 2025-11-27.

Submissions (2):

Dasa
Classification: Pathogenic. Last evaluated: 2025-11-27. Review status: criteria provided, single submitter. Criteria: DASA Assertion Criteria. Collection method: clinical testing. Allele origin: germline.
Comment: NM_006231.4(POLE):c.507_508dup (p.Ile170Argfs*6) is a frameshift variant in POLE predicted to alter the reading frame and introduce a premature termination codon and is predicted to result in an absent or altered protein product. Loss of function is an established disease mechanism for POLE-associated disorders. Also, this variant is absent from population databases. Based on the currently available evidence, this variant is classified as pathogenic.

Labcorp Genetics (formerly Invitae), Labcorp
Classification: Pathogenic. Last evaluated: 2025-11-18. Review status: criteria provided, single submitter. Criteria: Invitae Variant Classification Sherloc (09022015). Collection method: clinical testing. Allele origin: germline.
Comment: This sequence change creates a premature translational stop signal (p.Ile170Argfs*6) in the POLE gene. It is expected to result in an absent or disrupted protein product. Loss-of-function variants in POLE are known to be pathogenic (PMID: 23230001, 25948378, 30503519). This variant is not present in population databases (gnomAD no frequency). This variant has not been reported in the literature in individuals affected with POLE-related conditions. For these reasons, this variant has been classified as Pathogenic.

Literature cited by the submitters: PubMed 23230001 (cited by Labcorp Genetics (formerly Invitae), Labcorp); PubMed 25948378 (cited by Labcorp Genetics (formerly Invitae), Labcorp); PubMed 30503519 (cited by Labcorp Genetics (formerly Invitae), Labcorp).